The following is an entry in ClinVar:

ClinVar aggregate classification (germline): Likely benign. Review status: criteria provided, single submitter (1 of 4 stars). 2 submissions from 2 submitters: Likely benign (1). 1 of the submissions does not count toward it. Last evaluated 2023-08-05.

Conditions:
NPHP1-related disorder. Also called: NPHP1-related condition; NPHP1-related disorders.
Nephronophthisis. Also called: Juvenile Nephronophthisis. Identifiers: Orphanet 655, MedGen C0687120, MONDO:0019005, HP:0000090.

Allele frequency attached by ClinVar (database versions not stated): ExAC 0.00001; gnomAD 0.00001; gnomAD exomes 0.00001; TOPMed 0.00005; ESP Exome Variant Server 0.00015.

Submissions (2):

Labcorp Genetics (formerly Invitae), Labcorp
Classification: Likely benign for Nephronophthisis. Last evaluated: 2023-08-05. Review status: criteria provided, single submitter. Criteria: Invitae Variant Classification Sherloc (09022015). Collection method: clinical testing. Allele origin: germline.

PreventionGenetics, part of Exact Sciences
Classification: Likely benign for NPHP1-related condition. Last evaluated: 2024-09-07. Review status: no assertion criteria provided. Collection method: clinical testing. Allele origin: germline. Not counted in ClinVar's aggregate classification.
Comment: This variant is classified as likely benign based on ACMG/AMP sequence variant interpretation guidelines (Richards et al. 2015 PMID: 25741868, with internal and published modifications).

NM_001128178.3(NPHP1):c.771+90T>C

Gene: NPHP1 (nephrocystin 1; minus strand). Cytogenetic location: 2q13.
Variant type: single nucleotide variant.
Coding change: c.771+90T>C on transcript NM_001128178.3 (MANE Select); 90 bases into the intron after coding-DNA position 771, T replaced by C.
Molecular consequence: intron variant. On other transcripts: synonymous variant (2).
Genome position (GRCh38, 1-based): chr2:110,164,598, A>G on the plus strand (T>C on the coding strand, the complement: NPHP1 is on the minus strand). VCF-style: chr2-110164598-A-G. GRCh37 (hg19) VCF-style: chr2-110922175-A-G.
Other names: c.861T>C, p.Asn287= (NM_000272.5, NM_207181.4); c.585+90T>C (NM_001128179.3); c.771+90T>C (NM_001374256.1, NM_001374257.1); c.861T>C (NM_000272.3).
Identifiers: ClinVar variation 1589739 (VCV001589739.9), dbSNP rs145349438, ClinGen allele CA1827266.